The following is an entry in ClinVar:

ClinVar aggregate classification (germline): Uncertain significance. Review status: criteria provided, multiple submitters, no conflicts (2 of 4 stars). 3 submissions from 3 submitters: Uncertain significance (3). Last evaluated 2025-11-19.

Conditions:
JAG1-related disorder. Also called: JAG1-related condition; JAG1-related disorders.
Alagille syndrome due to a JAG1 point mutation. Also called: JAG1-Related Alagille Syndrome; Alagille Syndrome 1; HEPATIC DUCTULAR HYPOPLASIA, SYNDROMATIC. Identifiers: Orphanet 261619, Orphanet 52, MedGen C1956125, MONDO:0016862, OMIM 118450.

Submissions (3):

PreventionGenetics, part of Exact Sciences
Classification: Uncertain significance for JAG1-related condition. Last evaluated: 2025-11-19. Review status: criteria provided, single submitter. Criteria: ACMG Guidelines, 2015. Collection method: clinical testing. Allele origin: germline.
Comment: The JAG1 c.2914C>T variant is predicted to result in the amino acid substitution p.Pro972Ser. To our knowledge, this variant has not been reported in the literature or in a large population database (gnomAD), indicating this variant is rare. At this time, the clinical significance of this variant is uncertain due to the absence of conclusive functional and genetic evidence.

Labcorp Genetics (formerly Invitae), Labcorp
Classification: Uncertain significance for Alagille syndrome due to a JAG1 point mutation. Last evaluated: 2021-08-31. Review status: criteria provided, single submitter. Criteria: Invitae Variant Classification Sherloc (09022015). Collection method: clinical testing. Allele origin: germline.
Comment: This sequence change replaces proline with serine at codon 972 of the JAG1 protein (p.Pro972Ser). The proline residue is highly conserved and there is a moderate physicochemical difference between proline and serine. This variant is not present in population databases (ExAC no frequency). This variant has not been reported in the literature in individuals affected with JAG1-related conditions. Algorithms developed to predict the effect of missense changes on protein structure and function are either unavailable or do not agree on the potential impact of this missense change (SIFT: "Deleterious"; PolyPhen-2: "Benign"; Align-GVGD: "Class C25"). In summary, the available evidence is currently insufficient to determine the role of this variant in disease. Therefore, it has been classified as a Variant of Uncertain Significance.

Blueprint Genetics
Classification: Uncertain significance. Last evaluated: 2019-06-22. Review status: criteria provided, single submitter. Criteria: ACMG Guidelines, 2015. Collection method: clinical testing. Allele origin: germline.

NM_000214.3(JAG1):c.2914C>T (p.Pro972Ser)

Gene: JAG1 (jagged canonical Notch ligand 1; minus strand). Cytogenetic location: 20p12.2.
Variant type: single nucleotide variant.
Coding change: c.2914C>T on transcript NM_000214.3 (MANE Select); coding-DNA position 2914, C replaced by T.
Protein change: p.Pro972Ser; replaces proline 972 with serine.
Molecular consequence: missense variant.
Genome position (GRCh38, 1-based): chr20:10,641,462, G>A on the plus strand (C>T on the coding strand, the complement: JAG1 is on the minus strand). VCF-style: chr20-10641462-G-A. GRCh37 (hg19) VCF-style: chr20-10622110-G-A.
Other names: c.2914C>T (NM_000214.2); short protein forms P972S.
Identifiers: ClinVar variation 1465785 (VCV001465785.8), dbSNP rs2067270959, ClinGen allele CA408244692.